The following is an entry in ClinVar:

ClinVar aggregate classification (germline): Uncertain significance (1 of 4 stars; one submission).

Conditions:
Cardiovascular phenotype. Identifiers: MedGen CN230736.

Submission:

Ambry Genetics
Classification: Uncertain significance for Cardiovascular phenotype. Last evaluated: 2024-07-30. Review status: criteria provided, single submitter. Criteria: Ambry Variant Classification Scheme 2023. Collection method: clinical testing. Allele origin: germline.
Comment: The p.T85M variant (also known as c.254C>T), located in coding exon 1 of the FKRP gene, results from a C to T substitution at nucleotide position 254. The threonine at codon 85 is replaced by methionine, an amino acid with similar properties. This amino acid position is conserved. In addition, the in silico prediction for this alteration is inconclusive. Based on the available evidence, the clinical significance of this variant remains unclear.

NM_024301.5(FKRP):c.254C>T (p.Thr85Met)

Gene: FKRP (fukutin related protein; plus strand). Cytogenetic location: 19q13.32.
Variant type: single nucleotide variant.
Coding change: c.254C>T on transcript NM_024301.5 (MANE Select); coding-DNA position 254, C replaced by T.
Protein change: p.Thr85Met; replaces threonine 85 with methionine.
Molecular consequence: missense variant.
Genome position (GRCh38, 1-based): chr19:46,755,704, C>T. VCF-style: chr19-46755704-C-T. GRCh37 (hg19) VCF-style: chr19-47258961-C-T.
Other names: c.254C>T, p.Thr85Met (NM_001039885.3); short protein forms T85M.
Identifiers: ClinVar variation 3515558 (VCV003515558.1).